The following is an entry in ClinVar:

NM_000038.6(APC):c.933+825G>A

Gene: APC (APC regulator of Wnt signaling pathway; plus strand). Cytogenetic location: 5q22.2.
Variant type: single nucleotide variant.
Coding change: c.933+825G>A on transcript NM_000038.6 (MANE Select); 825 bases into the intron after coding-DNA position 933, G replaced by A.
Molecular consequence: intron variant.
Genome position (GRCh38, 1-based): chr5:112,816,418, G>A. VCF-style: chr5-112816418-G-A. GRCh37 (hg19) VCF-style: chr5-112152115-G-A.
Other names: c.84+825G>A (NM_001407470.1, NM_001407472.1, NM_001354906.2 and 1 more transcripts); c.933+825G>A (NM_001407447.1, NM_001354895.2, NM_001407456.1 and 12 more transcripts); c.849+825G>A (NM_001407452.1, NM_001407469.1, NM_001354899.2 and 1 more transcripts); c.963+825G>A (NM_001407446.1, NM_001354897.2, NM_001354902.2); c.879+825G>A (NM_001127511.3); c.756+825G>A (NM_001407453.1, NM_001354900.2, NM_001354901.2 and 1 more transcripts); c.858+825G>A (NM_001407451.1, NM_001354898.2, NM_001354904.2).
Identifiers: ClinVar variation 4987107 (VCV004987107.1).

ClinVar aggregate classification (germline): Likely benign (1 of 4 stars; one submission).

Conditions:
APC-related disorder. Also called: APC-related condition.

gnomAD v4.1: 41 of 152,306 alleles (0.027%); highest among the groups gnomAD compares: African/African-American, 0.096%; 1 homozygote.

Submission:

PreventionGenetics, part of Exact Sciences
Classification: Likely benign for APC-related condition. Last evaluated: 2026-09-21. Review status: criteria provided, single submitter. Criteria: ACMG Guidelines, 2015. Collection method: clinical testing. Allele origin: germline.
Comment: This variant is classified as likely benign based on ACMG/AMP sequence variant interpretation guidelines (Richards et al. 2015 PMID: 25741868, with internal and published modifications).